The following is an entry in ClinVar:

NM_005068.3(SIM1):c.840G>T (p.Ala280=)

Gene: SIM1 (SIM bHLH transcription factor 1; minus strand). Cytogenetic location: 6q16.3.
Variant type: single nucleotide variant.
Coding change: c.840G>T on transcript NM_005068.3 (MANE Select); coding-DNA position 840, G replaced by T.
Protein change: p.Ala280=; no amino-acid change (alanine 280 retained).
Molecular consequence: synonymous variant.
Genome position (GRCh38, 1-based): chr6:100,448,156, C>A on the plus strand (G>T on the coding strand, the complement: SIM1 is on the minus strand). VCF-style: chr6-100448156-C-A. GRCh37 (hg19) VCF-style: chr6-100896032-C-A.
Other names: c.840G>T, p.Ala280= (NM_001374769.1).
Identifiers: ClinVar variation 2656783 (VCV002656783.24), dbSNP rs937173436, ClinGen allele CA143966427.
Genomic context (GRCh38, chr6:100,448,156, plus strand): 5'-CCAGCGGATGCGCCAAGGTTGCTAGGGTACGGGGCAGGGTGGCGCCTTACGCAAATGGTG[C>A]GCGCAGCGCAGGTGGAAGGTGTCGCAGCCGTGCACATGGTGGTACAGAGTCTTCTCAATC-3'
Protein context (NP_005059.2, residues 270-290): HGCDTFHLRC[Ala280=]HHLLLVKGQV

ClinVar aggregate classification (germline): Likely benign (1 of 4 stars; one submission).

gnomAD v4.1: 8 of 1,612,492 alleles (0.0005%); highest among the groups gnomAD compares: Non-Finnish European, 0.00068%; no homozygotes.

Submission:

CeGaT Center for Human Genetics Tuebingen
Classification: Likely benign. Last evaluated: 2022-05-01. Review status: criteria provided, single submitter. Criteria: CeGaT Center For Human Genetics Tuebingen Variant Classification Criteria Version 2. Collection method: clinical testing. Allele origin: germline. Affected: yes. Observed: 1 variant allele.
Comment: SIM1: BP4, BP7